The following is an entry in ClinVar:

NM_024301.5(FKRP):c.1449C>A (p.Tyr483Ter)

Gene: FKRP (fukutin related protein; plus strand). Cytogenetic location: 19q13.32.
Variant type: single nucleotide variant.
Coding change: c.1449C>A on transcript NM_024301.5 (MANE Select); coding-DNA position 1449, C replaced by A.
Protein change: p.Tyr483Ter; replaces tyrosine 483 with a stop codon.
Molecular consequence: nonsense.
Genome position (GRCh38, 1-based): chr19:46,756,899, C>A. VCF-style: chr19-46756899-C-A. GRCh37 (hg19) VCF-style: chr19-47260156-C-A.
Other names: c.1449C>A, p.Tyr483Ter (NM_001039885.3); short protein forms Y483*.
Identifiers: ClinVar variation 5004358 (VCV005004358.1).

ClinVar aggregate classification (germline): Uncertain significance (1 of 4 stars; one submission).

Conditions:
Myopathy caused by variation in FKRP. Identifiers: MedGen CN305637, MONDO:0700066.

Submission:

Myriad Genetics, Inc.
Classification: Uncertain significance for Myopathy caused by variation in FKRP. Last evaluated: 2025-12-31. Review status: criteria provided, single submitter. Criteria: Myriad Autosomal Dominant, Autosomal Recessive and X-Linked Classification Criteria (2023). Collection method: clinical testing. Allele origin: unknown.
Comment: NM_024301.4(FKRP):c.1449C>A(Y483*) is a nonsense variant classified as a variant of uncertain significance in the context of FKRP-related disorders. Y483* has not been observed in cases with relevant disease. Relevant functional assessments of this variant are not available in the literature. Y483* has not been observed in referenced population frequency databases. In summary, there is insufficient evidence to classify NM_024301.4(FKRP):c.1449C>A(Y483*) as pathogenic or benign. Please note: this variant was assessed in the context of healthy population screening.